The following is an entry in ClinVar:

ClinVar aggregate classification (germline): Uncertain significance (1 of 4 stars; one submission).

Conditions:
Early-infantile DEE. Also called: Ohtahara syndrome; Early infantile epileptic encephalopathy with suppression bursts; Early infantile epileptic encephalopathy. Identifiers: Orphanet 1934, MedGen C0393706, MONDO:0800491.

Submission:

Labcorp Genetics (formerly Invitae), Labcorp
Classification: Uncertain significance for Early-infantile DEE. Last evaluated: 2024-05-15. Review status: criteria provided, single submitter. Criteria: Invitae Variant Classification Sherloc (09022015). Collection method: clinical testing. Allele origin: germline.
Comment: This sequence change falls in intron 20 of the SCN1A gene. It does not directly change the encoded amino acid sequence of the SCN1A protein. However, this sequence change falls within a region encompassing a cryptic exon in the SCN1A gene, in which variants have been shown to alter splicing (PMID: 30526861, 34107977). This variant is not present in population databases (gnomAD no frequency). This variant has not been reported in the literature in individuals affected with SCN1A-related conditions. Algorithms developed to predict the effect of sequence changes on RNA splicing suggest that this variant is not likely to affect RNA splicing. In summary, the available evidence is currently insufficient to determine the role of this variant in disease. Therefore, it has been classified as a Variant of Uncertain Significance.

Literature cited by the submitters: PubMed 30526861; PubMed 34107977.

NM_001165963.4(SCN1A):c.4002+2467C>T

Genes: SCN1A (sodium voltage-gated channel alpha subunit 1; minus strand), LOC102724058 (uncharacterized LOC102724058; plus strand). Cytogenetic location: 2q24.3.
Variant type: single nucleotide variant.
Coding change: c.4002+2467C>T on transcript NM_001165963.4 (MANE Select); 2467 bases into the intron after coding-DNA position 4002, C replaced by T.
Molecular consequence: intron variant. On other transcripts: non-coding transcript variant (1).
Genome position (GRCh38, 1-based): chr2:166,007,252, G>A on the plus strand (C>T on the coding strand, the complement: SCN1A is on the minus strand). VCF-style: chr2-166007252-G-A. GRCh37 (hg19) VCF-style: chr2-166863762-G-A.
Other names: c.3969+2467C>T (NM_001353949.2, NM_001353950.2, NM_001353951.2 and 2 more transcripts); c.3918+2467C>T (NM_001353958.2, NM_001353957.2, NM_001165964.3); c.4002+2467C>T (NM_001202435.3, NM_001353948.2); c.3966+2467C>T (NM_001353955.2, NM_001353954.2); c.3915+2467C>T (NM_001353960.2); c.1560+2467C>T (NM_001353961.2).
Identifiers: ClinVar variation 2850913 (VCV002850913.3), dbSNP rs2468471304, ClinGen allele CA2661757235.